The following is an entry in ClinVar:

ClinVar aggregate classification (germline): Likely pathogenic (1 of 4 stars; one submission).

Conditions:
CDH1-related disorder. Also called: CDH1-related condition.

Submission:

PreventionGenetics, part of Exact Sciences
Classification: Likely pathogenic for CDH1-related condition. Last evaluated: 2025-11-24. Review status: criteria provided, single submitter. Criteria: ACMG Guidelines, 2015. Collection method: clinical testing. Allele origin: germline.
Comment: The CDH1 c.770A>C variant is predicted to result in the amino acid substitution p.Asp257Ala. This variant is located in a highly conserved extracellular calcium ion-binding domain (p.253-257) required for E-cadherin structural stability and dimerization (reviewed in Brasch et al. 2012. PubMed ID: 22555008; Ghoumid et al. 2017. PubMed ID: 28301459), and multiple studies have suggested that missense changes impacting p.253-260 are hotspots for cleft lip and palate (Selvanathan et al. 2020. PubMed ID: 32260281; Gossner et al. 2024. PubMed ID: 39596675; Ghoumid et al. 2017. PubMed ID: 28301459). In vitro studies have demonstrated that the p.Asp257Ala variant leads to multiple structural and functional defects, including protein mislocalization, cytoskeletal alterations, and a pronounced loss of calcium-dependent cellular aggregation and cell-cell adhesion (Handshuh et al. 2001. PubMed ID: 11846558). This variant has not been reported in a large population database (gnomAD), indicating this variant is rare. A different missense substitution of the same amino acid (p.Asp257Val) has also been reported in an individual with BCD syndrome and shown to have altered subcellular localization (Ghoumid et al. 2017. PubMed ID: 28301459). We interpret this variant as likely pathogenic.

NM_004360.5(CDH1):c.770A>C (p.Asp257Ala)

Gene: CDH1 (cadherin 1; plus strand). Cytogenetic location: 16q22.1.
Variant type: single nucleotide variant.
Coding change: c.770A>C on transcript NM_004360.5 (MANE Select); coding-DNA position 770, A replaced by C.
Protein change: p.Asp257Ala; replaces aspartic acid 257 with alanine.
Molecular consequence: missense variant. On other transcripts: 5 prime UTR variant (2).
Genome position (GRCh38, 1-based): chr16:68,810,279, A>C. VCF-style: chr16-68810279-A-C. GRCh37 (hg19) VCF-style: chr16-68844182-A-C.
Other names: c.770A>C, p.Asp257Ala (NM_001317184.2); c.-846A>C (NM_001317185.2); c.-1050A>C (NM_001317186.2); short protein forms D257A.
Identifiers: ClinVar variation 4986044 (VCV004986044.1).
Genomic context (GRCh38, chr16:68,810,279, plus strand): 5'-CCAACGGGAATGCAGTTGAGGATCCAATGGAGATTTTGATCACGGTAACCGATCAGAATG[A>C]CAACAAGCCCGAATTCACCCAGGAGGTCTTTAAGGGGTCTGTCATGGAAGGTGCTCTTCC-3'
Protein context (NP_004351.1, residues 247-267): EILITVTDQN[Asp257Ala]NKPEFTQEVF